The following is an entry in ClinVar:

NM_000038.6(APC):c.2434G>T (p.Asp812Tyr)

Gene: APC (APC regulator of Wnt signaling pathway; plus strand). Cytogenetic location: 5q22.2.
Variant type: single nucleotide variant.
Coding change: c.2434G>T on transcript NM_000038.6 (MANE Select); coding-DNA position 2434, G replaced by T.
Protein change: p.Asp812Tyr; replaces aspartic acid 812 with tyrosine.
Molecular consequence: missense variant.
Genome position (GRCh38, 1-based): chr5:112,838,028, G>T. VCF-style: chr5-112838028-G-T. GRCh37 (hg19) VCF-style: chr5-112173725-G-T.
Other names: c.2434G>T, p.Asp812Tyr (NM_001127510.3, NM_001354895.2); c.2380G>T, p.Asp794Tyr (NM_001127511.3); c.2488G>T, p.Asp830Tyr (NM_001354896.2); c.2464G>T, p.Asp822Tyr (NM_001354897.2); c.2359G>T, p.Asp787Tyr (NM_001354898.2); c.2350G>T, p.Asp784Tyr (NM_001354899.2); c.2311G>T, p.Asp771Tyr (NM_001354900.2); c.2257G>T, p.Asp753Tyr (NM_001354901.2); and 5 more; short protein forms D529Y, D652Y, D686Y, D711Y, D721Y, D753Y, D771Y, D784Y.
Identifiers: ClinVar variation 1332190 (VCV001332190.10), dbSNP rs761178697, ClinGen allele CA16026679.

ClinVar aggregate classification (germline): Uncertain significance. Review status: criteria provided, multiple submitters, no conflicts (2 of 4 stars). 3 submissions from 3 submitters: Uncertain significance (3). Last evaluated 2025-05-16.

Conditions:
Familial adenomatous polyposis 1 (FAP1). Also called: POLYPOSIS, ADENOMATOUS INTESTINAL; FAMILIAL ADENOMATOUS POLYPOSIS 1, ATTENUATED. Identifiers: MedGen C2713442, MONDO:0021056, OMIM 175100. Disease mechanism: loss of function.
Hereditary cancer-predisposing syndrome. Also called: Tumor predisposition; Hereditary Cancer Syndrome; Neoplastic Syndromes, Hereditary; Hereditary neoplastic syndrome. Identifiers: Orphanet 140162, MedGen C0027672, MeSH D009386, MONDO:0015356.

Submissions (3):

Ambry Genetics
Classification: Uncertain significance for Hereditary cancer-predisposing syndrome. Last evaluated: 2025-05-16. Review status: criteria provided, single submitter. Criteria: Ambry Variant Classification Scheme 2023. Collection method: clinical testing. Allele origin: germline.
Comment: The p.D812Y variant (also known as c.2434G>T), located in coding exon 15 of the APC gene, results from a G to T substitution at nucleotide position 2434. The aspartic acid at codon 812 is replaced by tyrosine, an amino acid with highly dissimilar properties. This amino acid position is conserved. In addition, in silico predictors for this gene do not accurately predict pathogenicity. Based on the available evidence, the clinical significance of this variant remains unclear.

Color Diagnostics, LLC DBA Color Health
Classification: Uncertain significance for Hereditary cancer-predisposing syndrome. Last evaluated: 2024-03-07. Review status: criteria provided, single submitter. Criteria: ACMG Guidelines, 2015. Collection method: clinical testing. Allele origin: germline.
Comment: This missense variant replaces aspartic acid with tyrosine at codon 812 of the APC protein. Computational prediction suggests that this variant may not impact protein structure and function (internally defined REVEL score threshold <= 0.5, PMID: 27666373). To our knowledge, functional studies have not been reported for this variant. This variant has not been reported in individuals affected with hereditary cancer in the literature. This variant has not been identified in the general population by the Genome Aggregation Database (gnomAD). The available evidence is insufficient to determine the role of this variant in disease conclusively. Therefore, this variant is classified as a Variant of Uncertain Significance.

Labcorp Genetics (formerly Invitae), Labcorp
Classification: Uncertain significance for Familial adenomatous polyposis 1. Last evaluated: 2022-07-27. Review status: criteria provided, single submitter. Criteria: Invitae Variant Classification Sherloc (09022015). Collection method: clinical testing. Allele origin: germline.
Comment: In summary, the available evidence is currently insufficient to determine the role of this variant in disease. Therefore, it has been classified as a Variant of Uncertain Significance. Algorithms developed to predict the effect of missense changes on protein structure and function are either unavailable or do not agree on the potential impact of this missense change (SIFT: "Deleterious"; PolyPhen-2: "Benign"; Align-GVGD: "Class C15"). ClinVar contains an entry for this variant (Variation ID: 1332190). This variant has not been reported in the literature in individuals affected with APC-related conditions. This variant is not present in population databases (gnomAD no frequency). This sequence change replaces aspartic acid, which is acidic and polar, with tyrosine, which is neutral and polar, at codon 812 of the APC protein (p.Asp812Tyr).